The following is an entry in ClinVar:

NM_003569.3(STX7):c.159A>C (p.Gln53His)

Gene: STX7 (syntaxin 7; minus strand). Cytogenetic location: 6q23.2.
Variant type: single nucleotide variant.
Coding change: c.159A>C on transcript NM_003569.3 (MANE Select); coding-DNA position 159, A replaced by C.
Protein change: p.Gln53His; replaces glutamine 53 with histidine.
Molecular consequence: missense variant. On other transcripts: non-coding transcript variant (1).
Genome position (GRCh38, 1-based): chr6:132,472,372, T>G on the plus strand (A>C on the coding strand, the complement: STX7 is on the minus strand). VCF-style: chr6-132472372-T-G. GRCh37 (hg19) VCF-style: chr6-132793511-T-G.
Other names: c.159A>C, p.Gln53His (NM_001326578.2, NM_001326579.2, NM_001326580.2); short protein forms Q53H.
Identifiers: ClinVar variation 218904 (VCV000218904.1), dbSNP rs864309676, ClinGen allele CA278780.

ClinVar aggregate classification (germline): Likely pathogenic (0 of 4 stars; one submission).

Conditions:
Abnormality of neuronal migration. Identifiers: MedGen C1837249, HP:0002269.

Submission:

Génétique et pathophysiologie de maladies neurodéveloppementales et épileptogènes, Institut de génétique et de biologie moléculaire et cellulaire
Classification: Likely pathogenic for Abnormality of neuronal migration. Last evaluated: 2014-10-31. Review status: no assertion criteria provided. Collection method: clinical testing. Allele origin: paternal. Affected: yes. Observed: 3 variant alleles, 3 heterozygotes, 1 mosaic individual. Clinical features observed: Gray matter heterotopias (HP:0002281), Pachygyria (HP:0001302), Infantile spasms (HP:0012469), Intellectual disability (HP:0001249), Microcephaly (HP:0000252), Seizures (HP:0001250).
Comment: 2 affected sibs had inherited the variant from the father (somatic mosaïcism) with milder phenotype

Literature cited by the submitters: PubMed 26395554.